The following is an entry in ClinVar:

NM_001853.4(COL9A3):c.1368+81G>A

Gene: COL9A3 (collagen type IX alpha 3 chain; plus strand). Cytogenetic location: 20q13.33.
Variant type: single nucleotide variant.
Coding change: c.1368+81G>A on transcript NM_001853.4 (MANE Select); 81 bases into the intron after coding-DNA position 1368, G replaced by A.
Molecular consequence: intron variant.
Genome position (GRCh38, 1-based): chr20:62,833,145, G>A. VCF-style: chr20-62833145-G-A. GRCh37 (hg19) VCF-style: chr20-61464497-G-A.
Other names: NC_000020.10:g.61464497G>A.
Identifiers: ClinVar variation 675071 (VCV000675071.3), dbSNP rs2294994, ClinGen allele CA14765351.
Genomic context (GRCh38, chr20:62,833,145, plus strand): 5'-ACTGTTACCAACAGCTGGGAGCGAGGTCGCCACTGTGGCTGGGGAACAGTCCTGGGGACA[G>A]GGTCAAAATCTGCAGCTCCCGGTGGAAGATCGGCAGCTCTGCTGGGCAGCGTGGGGATGG-3'

ClinVar aggregate classification (germline): Benign. Review status: criteria provided, multiple submitters, no conflicts (2 of 4 stars). 2 submissions from 2 submitters: Benign (2). Last evaluated 2018-06-16.

Allele frequency attached by ClinVar (database versions not stated): gnomAD 0.25400 and 0.24596; TOPMed 0.24961; gnomAD exomes 0.18028; 1000 Genomes Project 0.21286; 1000 Genomes Project 30x 0.21814.
gnomAD v4.1: 222,936 of 1,181,850 alleles (19%); highest among the groups gnomAD compares: African/African-American, 41%; 24,184 homozygotes.

Submissions (8):

GeneDx
Classification: Benign. Last evaluated: 2018-06-16. Review status: criteria provided, single submitter. Criteria: GeneDx Variant Classification (06012015). Collection method: clinical testing. Allele origin: germline. Affected: yes.
Comment: This variant is considered likely benign or benign based on one or more of the following criteria: it is a conservative change, it occurs at a poorly conserved position in the protein, it is predicted to be benign by multiple in silico algorithms, and/or has population frequency not consistent with disease.

Breakthrough Genomics
Classification: Benign. Review status: criteria provided, single submitter. Criteria: ACMG Guidelines, 2015. Collection method: not provided. Allele origin: germline. Inheritance: Autosomal recessive inheritance. Affected: yes.

Dr. Peter K. Rogan Lab, Western University
No classification provided (evidence only). Condition: Uterine carcinosarcoma. Review status: no classification provided. Collection method: in vitro. Allele origin: not applicable. Functional consequence: retained intron. Not counted in ClinVar's aggregate classification.

Dr. Peter K. Rogan Lab, Western University
No classification provided (evidence only). Condition: Uterine carcinosarcoma. Review status: no classification provided. Collection method: in vitro. Allele origin: not applicable. Functional consequence: retained intron. Not counted in ClinVar's aggregate classification.

Dr. Peter K. Rogan Lab, Western University
No classification provided (evidence only). Condition: Uterine carcinosarcoma. Review status: no classification provided. Collection method: in vitro. Allele origin: not applicable. Functional consequence: retained intron. Not counted in ClinVar's aggregate classification.

Dr. Peter K. Rogan Lab, Western University
No classification provided (evidence only). Condition: Uterine carcinosarcoma. Review status: no classification provided. Collection method: in vitro. Allele origin: not applicable. Functional consequence: retained intron. Not counted in ClinVar's aggregate classification.

Dr. Peter K. Rogan Lab, Western University
No classification provided (evidence only). Condition: Uterine carcinosarcoma. Review status: no classification provided. Collection method: in vitro. Allele origin: not applicable. Functional consequence: retained intron. Not counted in ClinVar's aggregate classification.

Dr. Peter K. Rogan Lab, Western University
No classification provided (evidence only). Condition: Uterine carcinosarcoma. Review status: no classification provided. Collection method: in vitro. Allele origin: not applicable. Functional consequence: retained intron. Not counted in ClinVar's aggregate classification.